The following is an entry in ClinVar:

ClinVar aggregate classification (germline): Pathogenic/Likely pathogenic. Review status: criteria provided, multiple submitters, no conflicts (2 of 4 stars). 2 submissions from 2 submitters: Pathogenic (1); Likely pathogenic (1). Last evaluated 2025-10-24.

Conditions:
Hereditary insensitivity to pain with anhidrosis (CIPA). Also called: INSENSITIVITY TO PAIN, CONGENITAL, WITH ANHIDROSIS; FAMILIAL DYSAUTONOMIA, TYPE II; NEUROPATHY, CONGENITAL SENSORY, WITH ANHIDROSIS; hereditary sensory and autonomic neuropathy type 4; HSAN Type IV; NTRK1 Congenital Insensitivity to Pain with Anhidrosis. Identifiers: Orphanet 642, MedGen C0020074, MONDO:0009746, OMIM 256800.

Submissions (2):

Natera, Inc.
Classification: Likely pathogenic for Hereditary insensitivity to pain with anhidrosis. Last evaluated: 2025-10-24. Review status: criteria provided, single submitter. Criteria: Natera Variant Classification Schema (03/2026). Collection method: clinical testing. Allele origin: germline.
Comment: The c.112del variant in NTRK1 is a frameshift variant predicted to shift the reading frame beginning at codon 38 and leads to a stop codon 31 codons downstream. This variant is expected to result in nonsense mediated decay, truncation, or a dysfunctional protein product. This variant is rare in the general population with a frequency below the threshold expected for the associated phenotype(s). Given the available evidence, this variant is classified as Likely Pathogenic.

Labcorp Genetics (formerly Invitae), Labcorp
Classification: Pathogenic for Hereditary insensitivity to pain with anhidrosis. Last evaluated: 2025-07-29. Review status: criteria provided, single submitter. Criteria: Invitae Variant Classification Sherloc (09022015). Collection method: clinical testing. Allele origin: germline.
Comment: This sequence change creates a premature translational stop signal (p.Asp38Metfs*31) in the NTRK1 gene. It is expected to result in an absent or disrupted protein product. Loss-of-function variants in NTRK1 are known to be pathogenic (PMID: 10982191). This variant is not present in population databases (gnomAD no frequency). This variant has not been reported in the literature in individuals affected with NTRK1-related conditions. For these reasons, this variant has been classified as Pathogenic.

Literature cited by the submitters: PubMed 10982191 (cited by Labcorp Genetics (formerly Invitae), Labcorp).

NM_002529.4(NTRK1):c.112del (p.Asp38fs)

Gene: NTRK1 (neurotrophic receptor tyrosine kinase 1; plus strand). Cytogenetic location: 1q23.1.
Variant type: Deletion.
Coding change: c.112del on transcript NM_002529.4 (MANE Select); coding-DNA position 112, one base deleted (G; older notation c.112delG).
Protein change: p.Asp38fs; shifts the reading frame from aspartic acid 38.
Molecular consequence: frameshift variant. On other transcripts: intron variant (1).
Genome position (GRCh38, 1-based): chr1:156,861,046, G deleted. VCF-style (leftmost placement, unchanged base first): chr1-156861045-CG-C. GRCh37 (hg19) VCF-style: chr1-156830837-CG-C.
Other names: c.112delG, p.Asp38Metfs (NM_001012331.1); c.112del, p.Asp38fs (NM_001012331.2); c.123-3308del (NM_001007792.1); c.112del (NM_001012331.1); short protein forms D38fs.
Identifiers: ClinVar variation 4799208 (VCV004799208.2).